The following is an entry in ClinVar:

ClinVar aggregate classification (germline): Conflicting classifications of pathogenicity. Review status: criteria provided, conflicting classifications (1 of 4 stars). 2 submissions from 2 submitters: Likely pathogenic (1); Uncertain significance (1). Last evaluated 2024-11-06.

Conditions:
Charcot-Marie-Tooth disease axonal type 2O. Also called: CHARCOT-MARIE-TOOTH DISEASE, AXONAL, AUTOSOMAL DOMINANT, TYPE 2O; CHARCOT-MARIE-TOOTH NEUROPATHY, AXONAL, TYPE 2O; Charcot-Marie-Tooth Neuropathy Type 2O; Charcot-Marie-Tooth disease, axonal, type 20. Identifiers: Orphanet 284232, MedGen C3280220, MONDO:0013644, OMIM 614228.

Allele frequency attached by ClinVar (database versions not stated): 1000 Genomes Project 30x 0.00016; 1000 Genomes Project 0.00020.

Submissions (2):

GeneDx
Classification: Likely pathogenic. Last evaluated: 2024-11-06. Review status: criteria provided, single submitter. Criteria: GeneDx Variant Classification Process June 2021. Collection method: clinical testing. Allele origin: germline. Affected: yes.
Comment: Not observed at significant frequency in large population cohorts (gnomAD); In silico analysis supports that this missense variant has a deleterious effect on protein structure/function; Has not been previously published as pathogenic or benign to our knowledge; This variant is associated with the following publications: (PMID: 25512093, 25609763, 26100331)

Labcorp Genetics (formerly Invitae), Labcorp
Classification: Uncertain significance for Charcot-Marie-Tooth disease axonal type 2O. Last evaluated: 2024-07-23. Review status: criteria provided, single submitter. Criteria: Invitae Variant Classification Sherloc (09022015). Collection method: clinical testing. Allele origin: germline.
Comment: This sequence change replaces arginine, which is basic and polar, with histidine, which is basic and polar, at codon 2451 of the DYNC1H1 protein (p.Arg2451His). This variant is not present in population databases (gnomAD no frequency). This variant has not been reported in the literature in individuals affected with DYNC1H1-related conditions. Advanced modeling of protein sequence and biophysical properties (such as structural, functional, and spatial information, amino acid conservation, physicochemical variation, residue mobility, and thermodynamic stability) performed at Invitae indicates that this missense variant is not expected to disrupt DYNC1H1 protein function with a negative predictive value of 95%. In summary, the available evidence is currently insufficient to determine the role of this variant in disease. Therefore, it has been classified as a Variant of Uncertain Significance.

NM_001376.5(DYNC1H1):c.7352G>A (p.Arg2451His)

Gene: DYNC1H1 (dynein cytoplasmic 1 heavy chain 1; plus strand). Cytogenetic location: 14q32.31.
Variant type: single nucleotide variant.
Coding change: c.7352G>A on transcript NM_001376.5 (MANE Select); coding-DNA position 7352, G replaced by A.
Protein change: p.Arg2451His; replaces arginine 2451 with histidine.
Molecular consequence: missense variant.
Genome position (GRCh38, 1-based): chr14:102,015,965, G>A. VCF-style: chr14-102015965-G-A. GRCh37 (hg19) VCF-style: chr14-102482302-G-A.
Other names: short protein forms R2451H.
Identifiers: ClinVar variation 2999826 (VCV002999826.4), dbSNP rs528603081, ClinGen allele CA266952120.